The following is an entry in ClinVar:

NM_052945.4(TNFRSF13C):c.352G>A (p.Asp118Asn)

Gene: TNFRSF13C (TNF receptor superfamily member 13C; minus strand). Cytogenetic location: 22q13.2.
Variant type: single nucleotide variant.
Coding change: c.352G>A on transcript NM_052945.4 (MANE Select); coding-DNA position 352, G replaced by A.
Protein change: p.Asp118Asn; replaces aspartic acid 118 with asparagine.
Molecular consequence: missense variant.
Genome position (GRCh38, 1-based): chr22:41,926,116, C>T on the plus strand (G>A on the coding strand, the complement: TNFRSF13C is on the minus strand). VCF-style: chr22-41926116-C-T. GRCh37 (hg19) VCF-style: chr22-42322120-C-T.
Other names: short protein forms D118N.
Identifiers: ClinVar variation 4742610 (VCV004742610.1).

ClinVar aggregate classification (germline): Uncertain significance (1 of 4 stars; one submission).

Conditions:
Immunodeficiency, common variable, 4. Also called: ANTIBODY DEFICIENCY DUE TO BAFFR DEFECT. Identifiers: Orphanet 1572, Orphanet 696925, MedGen C3150739, MONDO:0013284, OMIM 613494.

gnomAD v4.1: 9 of 1,612,346 alleles (0.00056%); highest among the groups gnomAD compares: East Asian, 0.0022%; no homozygotes.

Submission:

Labcorp Genetics (formerly Invitae), Labcorp
Classification: Uncertain significance for Immunodeficiency, common variable, 4. Last evaluated: 2025-09-21. Review status: criteria provided, single submitter. Criteria: Invitae Variant Classification Sherloc (09022015). Collection method: clinical testing. Allele origin: germline.
Comment: This sequence change replaces aspartic acid, which is acidic and polar, with asparagine, which is neutral and polar, at codon 118 of the TNFRSF13C protein (p.Asp118Asn). This variant is not present in population databases (gnomAD no frequency). This variant has not been reported in the literature in individuals affected with TNFRSF13C-related conditions. An algorithm developed to predict the effect of missense changes on protein structure and function outputs the following: PolyPhen-2: "Benign". The asparagine amino acid residue is found in multiple mammalian species, which suggests that this missense change does not adversely affect protein function. In summary, the available evidence is currently insufficient to determine the role of this variant in disease. Therefore, it has been classified as a Variant of Uncertain Significance.